The following is an entry in ClinVar:

NM_000255.4(MMUT):c.1959T>C (p.Thr653=)

Gene: MMUT (methylmalonyl-CoA mutase; minus strand). Cytogenetic location: 6p12.3.
Variant type: single nucleotide variant.
Coding change: c.1959T>C on transcript NM_000255.4 (MANE Select); coding-DNA position 1959, T replaced by C.
Protein change: p.Thr653=; no amino-acid change (threonine 653 retained).
Molecular consequence: synonymous variant.
Genome position (GRCh38, 1-based): chr6:49,435,621, A>G on the plus strand (T>C on the coding strand, the complement: MMUT is on the minus strand). VCF-style: chr6-49435621-A-G. GRCh37 (hg19) VCF-style: chr6-49403334-A-G.
Other names: c.1959T>C (NM_000255.3).
Identifiers: ClinVar variation 1089131 (VCV001089131.11), dbSNP rs149460386, ClinGen allele CA3846689.
Genomic context (GRCh38, chr6:49,435,621, plus strand): 5'-GGTGCTTATGCCCACAGCATGCACATCCGCATCCACAGCCTGCTGGGCCACTTCACGAGG[A>G]GTCTAAACAGTCAGAAAGTAAAGATAAATCATTGTTTATTACTAGATAATGACTATAAAA-3'
Protein context (NP_000246.2, residues 643-663): FDVDIGPLFQ[Thr653=]PREVAQQAVD

ClinVar aggregate classification (germline): Likely benign. Review status: criteria provided, single submitter (1 of 4 stars). 2 submissions from 2 submitters: Likely benign (1). 1 of the submissions does not count toward it. Last evaluated 2026-01-06.

Conditions:
MMUT-related disorder. Also called: MMUT-related condition.

Allele frequency attached by ClinVar (database versions not stated): gnomAD exomes 0.00003 and 0.00005; TOPMed 0.00003; gnomAD 0.00005 and 0.00006; ESP Exome Variant Server 0.00008; ExAC 0.00008.
gnomAD v4.1: 48 of 1,613,120 alleles (0.003%); highest among the groups gnomAD compares: Non-Finnish European, 0.004%; no homozygotes.

Submissions (2):

Labcorp Genetics (formerly Invitae), Labcorp
Classification: Likely benign. Last evaluated: 2026-01-06. Review status: criteria provided, single submitter. Criteria: Invitae Variant Classification Sherloc (09022015). Collection method: clinical testing. Allele origin: germline.

PreventionGenetics, part of Exact Sciences
Classification: Likely benign for MMUT-related condition. Last evaluated: 2023-11-30. Review status: no assertion criteria provided. Collection method: clinical testing. Allele origin: germline. Not counted in ClinVar's aggregate classification.
Comment: This variant is classified as likely benign based on ACMG/AMP sequence variant interpretation guidelines (Richards et al. 2015 PMID: 25741868, with internal and published modifications).